The following is an entry in ClinVar:

NM_003873.7(NRP1):c.677G>A (p.Arg226His)

Gene: NRP1 (neuropilin 1; minus strand). Cytogenetic location: 10p11.22.
Variant type: single nucleotide variant.
Coding change: c.677G>A on transcript NM_003873.7 (MANE Select); coding-DNA position 677, G replaced by A.
Protein change: p.Arg226His; replaces arginine 226 with histidine.
Molecular consequence: missense variant. On other transcripts: non-coding transcript variant (1).
Genome position (GRCh38, 1-based): chr10:33,256,453, C>T on the plus strand (G>A on the coding strand, the complement: NRP1 is on the minus strand). VCF-style: chr10-33256453-C-T. GRCh37 (hg19) VCF-style: chr10-33545381-C-T.
Other names: c.677G>A, p.Arg226His (NM_001330068.2, NM_001024628.3, NM_001024629.3 and 2 more transcripts); short protein forms R226H.
Identifiers: ClinVar variation 3358582 (VCV003358582.2).

ClinVar aggregate classification (germline): Uncertain significance. Review status: criteria provided, single submitter (1 of 4 stars). 2 submissions from 2 submitters: Uncertain significance (1). 1 of the submissions does not count toward it. Last evaluated 2025-10-21.

Conditions:
NRP1-related disorder. Also called: NRP1-related condition.

gnomAD v4.1: 34 of 1,614,114 alleles (0.0021%); highest among the groups gnomAD compares: Middle Eastern, 0.017%; no homozygotes.

Submissions (2):

Ambry Genetics
Classification: Uncertain significance. Last evaluated: 2025-10-21. Review status: criteria provided, single submitter. Criteria: Ambry Variant Classification Scheme 2023. Collection method: clinical testing. Allele origin: germline.

PreventionGenetics, part of Exact Sciences
Classification: Uncertain significance for NRP1-related condition. Last evaluated: 2024-07-24. Review status: no assertion criteria provided. Collection method: clinical testing. Allele origin: germline. Not counted in ClinVar's aggregate classification.
Comment: The NRP1 c.677G>A variant is predicted to result in the amino acid substitution p.Arg226His. To our knowledge, this variant has not been reported in the literature. This variant is reported in 0.025% of alleles in individuals of African descent in gnomAD. At this time, the clinical significance of this variant is uncertain due to the absence of conclusive functional and genetic evidence.